The following is an entry in ClinVar:

NM_005263.5(GFI1):c.1162C>A (p.Arg388Ser)

Genes: GFI1 (growth factor independent 1 transcriptional repressor; minus strand), LOC129930930 (ATAC-STARR-seq lymphoblastoid active region 1314; plus strand). Cytogenetic location: 1p22.1.
Variant type: single nucleotide variant.
Coding change: c.1162C>A on transcript NM_005263.5 (MANE Select); coding-DNA position 1162, C replaced by A.
Protein change: p.Arg388Ser; replaces arginine 388 with serine.
Molecular consequence: missense variant.
Genome position (GRCh38, 1-based): chr1:92,476,136, G>T on the plus strand (C>A on the coding strand, the complement: GFI1 is on the minus strand). VCF-style: chr1-92476136-G-T. GRCh37 (hg19) VCF-style: chr1-92941693-G-T.
Other names: c.1162C>A, p.Arg388Ser (NM_001127215.3, NM_001127216.3); short protein forms R388S.
Identifiers: ClinVar variation 4858046 (VCV004858046.1).

ClinVar aggregate classification (germline): Uncertain significance (1 of 4 stars; one submission).

Submission:

Ambry Genetics
Classification: Uncertain significance. Last evaluated: 2026-04-25. Review status: criteria provided, single submitter. Criteria: Ambry Variant Classification Scheme 2023. Collection method: clinical testing. Allele origin: germline.
Comment: The p.R388S variant (also known as c.1162C>A), located in coding exon 6 of the GFI1 gene, results from a C to A substitution at nucleotide position 1162. The arginine at codon 388 is replaced by serine, an amino acid with dissimilar properties. This amino acid position is conserved. In addition, the in silico prediction for this alteration is inconclusive. Based on the available evidence, the clinical significance of this variant remains unclear.